The following is an entry in ClinVar:

NM_000287.4(PEX6):c.2773_2774delinsCT (p.Ala925Leu)

Gene: PEX6 (peroxisomal biogenesis factor 6; minus strand). Cytogenetic location: 6p21.1.
Variant type: Indel.
Coding change: c.2773_2774delinsCT on transcript NM_000287.4 (MANE Select); coding-DNA positions 2773 to 2774, GC replaced by CT.
Protein change: p.Ala925Leu; replaces alanine 925 with leucine.
Molecular consequence: missense variant. On other transcripts: non-coding transcript variant (1).
Genome position (GRCh38, 1-based): chr6:42,964,822-42,964,823, GC replaced by AG on the plus strand (GC replaced by CT on the coding strand, the reverse complement: PEX6 is on the minus strand). VCF-style: chr6-42964822-GC-AG. GRCh37 (hg19) VCF-style: chr6-42932560-GC-AG.
Other names: c.2509_2510delinsCT, p.Ala837Leu (NM_001316313.2); short protein forms A837L, A925L.
Identifiers: ClinVar variation 1414227 (VCV001414227.5), dbSNP rs2114236221, ClinGen allele CA2573140742.
Genomic context (GRCh38, chr6:42,964,822, plus strand): 5'-TGACCTCTCAGACCGGCAAGTGGCTCACCTTCCTCCAGGTCATGAACCCTGCGTTTGAGG[GC>AG]AGCTGTCATAGCATCAGAGCAGAGAGAGTAGAGGTCCGCGCCCGTCAGCTGGGGAGGGCA-3'
Protein context (NP_000278.3, residues 915-935): YSLCSDAMTA[Ala925Leu]LKRRVHDLEE

ClinVar aggregate classification (germline): Uncertain significance (1 of 4 stars; one submission).

Conditions:
Peroxisome biogenesis disorder. Identifiers: Orphanet 79189, MedGen C1832200, MONDO:0019234. Disease mechanism: loss of function.

Submission:

Labcorp Genetics (formerly Invitae), Labcorp
Classification: Uncertain significance for Peroxisome biogenesis disorder. Last evaluated: 2025-02-25. Review status: criteria provided, single submitter. Criteria: Invitae Variant Classification Sherloc (09022015). Collection method: clinical testing. Allele origin: germline.
Comment: This sequence change replaces alanine with leucine at codon 925 of the PEX6 protein (p.Ala925Leu). The alanine residue is highly conserved and there is a moderate physicochemical difference between alanine and leucine. Information on the frequency of this variant in the gnomAD database is not available, as this variant may be reported differently in the database. This variant has not been reported in the literature in individuals affected with PEX6-related conditions. ClinVar contains an entry for this variant (Variation ID: 1414227). An algorithm developed to predict the effect of missense changes on protein structure and function (PolyPhen-2) suggests that this variant is likely to be disruptive. In summary, the available evidence is currently insufficient to determine the role of this variant in disease. Therefore, it has been classified as a Variant of Uncertain Significance.